The following is an entry in ClinVar:

ClinVar aggregate classification (germline): Uncertain significance (1 of 4 stars; one submission).

Conditions:
Epidermolysis bullosa simplex 3, localized or generalized intermediate, with BP230 deficiency (EBS3). Also called: Epidermolysis bullosa simplex, autosomal recessive 2; Epidermolysis bullosa simplex due to BP230 deficiency. Identifiers: Orphanet 412181, MedGen C3809470, MONDO:0014180, OMIM 615425.
Hereditary sensory and autonomic neuropathy type 6. Also called: Neuropathy, hereditary sensory and autonomic, type VI; HSAN VI. Identifiers: Orphanet 314381, MedGen C3539003, MONDO:0013839, OMIM 614653.

gnomAD v4.1: 1 of 1,612,652 alleles (0.000062%); no homozygotes.

Submission:

Labcorp Genetics (formerly Invitae), Labcorp
Classification: Uncertain significance for Epidermolysis bullosa simplex 3, localized or generalized intermediate, with BP230 deficiency; Hereditary sensory and autonomic neuropathy type 6. Last evaluated: 2022-06-12. Review status: criteria provided, single submitter. Criteria: Invitae Variant Classification Sherloc (09022015). Collection method: clinical testing. Allele origin: germline.
Comment: The DST gene has multiple clinically relevant transcripts. This variant occurs in alternate transcript NM_015548.4, and corresponds to NM_001723.5:c.*83072A>T in the primary transcript. This sequence change replaces lysine, which is basic and polar, with asparagine, which is neutral and polar, at codon 3046 of the DST protein (p.Lys3046Asn). In summary, the available evidence is currently insufficient to determine the role of this variant in disease. Therefore, it has been classified as a Variant of Uncertain Significance. Experimental studies and prediction algorithms are not available or were not evaluated, and the functional significance of this variant is currently unknown. This variant has not been reported in the literature in individuals affected with DST-related conditions. This variant is not present in population databases (gnomAD no frequency).

NM_001374736.1(DST):c.17007A>T (p.Lys5669Asn)

Gene: DST (dystonin; minus strand). Cytogenetic location: 6p12.1.
Variant type: single nucleotide variant.
Coding change: c.17007A>T on transcript NM_001374736.1 (MANE Select); coding-DNA position 17007, A replaced by T.
Protein change: p.Lys5669Asn; replaces lysine 5669 with asparagine.
Molecular consequence: missense variant.
Genome position (GRCh38, 1-based): chr6:56,532,445, T>A on the plus strand (A>T on the coding strand, the complement: DST is on the minus strand). VCF-style: chr6-56532445-T-A. GRCh37 (hg19) VCF-style: chr6-56397243-T-A.
Other names: c.10650A>T, p.Lys3550Asn (NM_001144769.5); c.10236A>T, p.Lys3412Asn (NM_001144770.2); c.17007A>T, p.Lys5669Asn (NM_001374722.1); c.16374A>T, p.Lys5458Asn (NM_001374729.1); c.10116A>T, p.Lys3372Asn (NM_001374730.1, NM_001386100.1, NM_183380.4); c.17034A>T, p.Lys5678Asn (NM_001374734.1); c.9138A>T, p.Lys3046Asn (NM_015548.5); short protein forms K5669N, K3372N, K5458N, K5678N, K3046N, K3412N, K3550N.
Identifiers: ClinVar variation 2162904 (VCV002162904.4), dbSNP rs2534886171, ClinGen allele CA364510083.